The following is an entry in ClinVar:

NM_172107.4(KCNQ2):c.994A>G (p.Arg332Gly)

Gene: KCNQ2 (potassium voltage-gated channel subfamily Q member 2; minus strand). Cytogenetic location: 20q13.33.
Variant type: single nucleotide variant.
Coding change: c.994A>G on transcript NM_172107.4 (MANE Select); coding-DNA position 994, A replaced by G.
Protein change: p.Arg332Gly; replaces arginine 332 with glycine.
Molecular consequence: missense variant.
Genome position (GRCh38, 1-based): chr20:63,438,654, T>C on the plus strand (A>G on the coding strand, the complement: KCNQ2 is on the minus strand). VCF-style: chr20-63438654-T-C. GRCh37 (hg19) VCF-style: chr20-62070007-T-C.
Other names: c.994A>G, p.Arg332Gly (NM_004518.6, NM_172106.3, NM_172108.5 and 1 more transcripts); short protein forms R332G.
Identifiers: ClinVar variation 461424 (VCV000461424.16), dbSNP rs1555869758, ClinGen allele CA409652112.
Genomic context (GRCh38, chr20:63,438,654, plus strand): 5'-GTGCTGGTCCCCGGGGGACACCTGGACTCACCTGGATCAGGCCTGCTGCCGGGTTCCGCC[T>C]CTTCTCAAAGTGCTTCTGCCTGTGCTGCTCCTGAACCTTCAGGGCAAACCCAGACCCCAA-3'
Protein context (NP_742105.1, residues 322-342): EQHRQKHFEK[Arg332Gly]RNPAAGLIQS

ClinVar aggregate classification (germline): Pathogenic/Likely pathogenic. Review status: criteria provided, multiple submitters, no conflicts (2 of 4 stars). 2 submissions from 2 submitters: Pathogenic (1); Likely pathogenic (1). Last evaluated 2025-08-21.

Conditions:
Early-infantile DEE. Also called: Early infantile epileptic encephalopathy; Early infantile epileptic encephalopathy with suppression bursts; Ohtahara syndrome. Identifiers: Orphanet 1934, MedGen C0393706, MONDO:0800491.
Inborn genetic diseases. Identifiers: MedGen C0950123, MeSH D030342.

Submissions (2):

Labcorp Genetics (formerly Invitae), Labcorp
Classification: Pathogenic for Early-infantile DEE. Last evaluated: 2025-08-21. Review status: criteria provided, single submitter. Criteria: Invitae Variant Classification Sherloc (09022015). Collection method: clinical testing. Allele origin: germline.
Comment: This sequence change replaces arginine, which is basic and polar, with glycine, which is neutral and non-polar, at codon 332 of the KCNQ2 protein (p.Arg332Gly). This variant is not present in population databases (gnomAD no frequency). This missense change has been observed in individual(s) with generalized epilepsy (PMID: 31628766; internal data). In at least one individual the variant was observed to be de novo. ClinVar contains an entry for this variant (Variation ID: 461424). Invitae Evidence Modeling of protein sequence and biophysical properties (such as structural, functional, and spatial information, amino acid conservation, physicochemical variation, residue mobility, and thermodynamic stability) indicates that this missense variant is expected to disrupt KCNQ2 protein function with a positive predictive value of 95%. For these reasons, this variant has been classified as Pathogenic.

Ambry Genetics
Classification: Likely pathogenic for Inborn genetic diseases. Last evaluated: 2016-11-17. Review status: criteria provided, single submitter. Criteria: Ambry Variant Classification Scheme 2023. Collection method: clinical testing. Allele origin: germline.
Comment: The p.R332G variant (also known as c.994A>G), located in coding exon 7 of the KCNQ2 gene, results from an A to G substitution at nucleotide position 994. The arginine at codon 332 is replaced by glycine, an amino acid with dissimilar properties. However, the possibility of mosaicism, including in the germline of this individual's parent, could not be ruled out. This variant was not reported in population based cohorts in the following databases: NHLBI Exome Sequencing Project (ESP), 1000 Genomes Project, ExAC, and gnomAD. This amino acid position is highly conserved in available vertebrate species. In addition, this alteration is predicted to be deleterious by in silico analysis. Based on the majority of available evidence to date, this variant is likely to be pathogenic.

Literature cited by the submitters: PubMed 31628766 (cited by Labcorp Genetics (formerly Invitae), Labcorp).